The following is an entry in ClinVar:

NM_000018.4(ACADVL):c.1613G>A (p.Arg538Gln)

Gene: ACADVL (acyl-CoA dehydrogenase very long chain; plus strand). Cytogenetic location: 17p13.1.
Variant type: single nucleotide variant.
Coding change: c.1613G>A on transcript NM_000018.4 (MANE Select); coding-DNA position 1613, G replaced by A.
Protein change: p.Arg538Gln; replaces arginine 538 with glutamine.
Molecular consequence: missense variant.
Genome position (GRCh38, 1-based): chr17:7,224,487, G>A. VCF-style: chr17-7224487-G-A. GRCh37 (hg19) VCF-style: chr17-7127806-G-A.
Other names: p.Arg538Gln; c.1547G>A, p.Arg516Gln (NM_001033859.3); c.1682G>A, p.Arg561Gln (NM_001270447.2); c.1385G>A, p.Arg462Gln (NM_001270448.2); c.1613G>A (NM_000018.2); short protein forms R538Q, R561Q, R516Q, R462Q.
Identifiers: ClinVar variation 541711 (VCV000541711.10), dbSNP rs201350598, ClinGen allele CA8338192.

ClinVar aggregate classification (germline): Conflicting classifications of pathogenicity. Review status: criteria provided, conflicting classifications (1 of 4 stars). 4 submissions from 4 submitters: Uncertain significance (2); Likely benign (1). 1 of the submissions does not count toward it. Last evaluated 2026-01-17.

Conditions:
Very long chain acyl-CoA dehydrogenase deficiency (ACADVLD). Also called: VLCAD Deficiency; Very Long-Chain Acyl-Coenzyme A Dehydrogenase Deficiency. Identifiers: Orphanet 26793, MedGen C3887523, MONDO:0008723, OMIM 201475.
Inborn genetic diseases. Identifiers: MedGen C0950123, MeSH D030342.

Allele frequency attached by ClinVar (database versions not stated): gnomAD 0.00008 and 0.00009; TOPMed 0.00008.
gnomAD v4.1: 74 of 1,613,634 alleles (0.0046%); highest among the groups gnomAD compares: African/African-American, 0.0067%; no homozygotes.

Submissions (4):

Ambry Genetics
Classification: Likely benign for Inborn genetic diseases. Last evaluated: 2026-01-17. Review status: criteria provided, single submitter. Criteria: Ambry Variant Classification Scheme 2023. Collection method: clinical testing. Allele origin: germline.

Mayo Clinic Laboratories, Mayo Clinic
Classification: Uncertain significance. Last evaluated: 2024-05-13. Review status: criteria provided, single submitter. Criteria: ACMG Guidelines, 2015. Collection method: clinical testing. Allele origin: germline. Observed: 1 variant allele.
Comment: PM2

Labcorp Genetics (formerly Invitae), Labcorp
Classification: Uncertain significance for Very long chain acyl-CoA dehydrogenase deficiency. Last evaluated: 2022-10-07. Review status: criteria provided, single submitter. Criteria: Invitae Variant Classification Sherloc (09022015). Collection method: clinical testing. Allele origin: germline.
Comment: This sequence change replaces arginine, which is basic and polar, with glutamine, which is neutral and polar, at codon 538 of the ACADVL protein (p.Arg538Gln). This variant is present in population databases (rs201350598, gnomAD 0.008%). This variant has not been reported in the literature in individuals affected with ACADVL-related conditions. ClinVar contains an entry for this variant (Variation ID: 541711). Algorithms developed to predict the effect of missense changes on protein structure and function output the following: SIFT: "Tolerated"; PolyPhen-2: "Benign"; Align-GVGD: "Class C0". The glutamine amino acid residue is found in multiple mammalian species, which suggests that this missense change does not adversely affect protein function. Algorithms developed to predict the effect of sequence changes on RNA splicing suggest that this variant may create or strengthen a splice site. In summary, the available evidence is currently insufficient to determine the role of this variant in disease. Therefore, it has been classified as a Variant of Uncertain Significance.

Natera, Inc.
Classification: Uncertain significance for Very long chain acyl-CoA dehydrogenase deficiency. Last evaluated: 2019-10-28. Review status: no assertion criteria provided. Collection method: clinical testing. Allele origin: germline. Not counted in ClinVar's aggregate classification.

Literature cited by the submitters: PubMed 19327992 (cited by Mayo Clinic Laboratories, Mayo Clinic); PubMed 32778825 (cited by Mayo Clinic Laboratories, Mayo Clinic).